The following is an entry in ClinVar:

ClinVar aggregate classification (germline): Uncertain significance. Review status: criteria provided, multiple submitters, no conflicts (2 of 4 stars). 2 submissions from 2 submitters: Uncertain significance (2). Last evaluated 2024-09-03.

Conditions:
Amyotrophic lateral sclerosis type 15. Also called: AMYOTROPHIC LATERAL SCLEROSIS 15 WITH FRONTOTEMPORAL DEMENTIA. Identifiers: Orphanet 803, MedGen C3275459, MONDO:0010459, OMIM 300857.

Submissions (2):

Labcorp Genetics (formerly Invitae), Labcorp
Classification: Uncertain significance for Amyotrophic lateral sclerosis type 15. Last evaluated: 2024-09-03. Review status: criteria provided, single submitter. Criteria: Invitae Variant Classification Sherloc (09022015). Collection method: clinical testing. Allele origin: germline.
Comment: This sequence change replaces alanine, which is neutral and non-polar, with threonine, which is neutral and polar, at codon 282 of the UBQLN2 protein (p.Ala282Thr). This variant is not present in population databases (gnomAD no frequency). This variant has not been reported in the literature in individuals affected with UBQLN2-related conditions. Invitae Evidence Modeling of protein sequence and biophysical properties (such as structural, functional, and spatial information, amino acid conservation, physicochemical variation, residue mobility, and thermodynamic stability) indicates that this missense variant is expected to disrupt UBQLN2 protein function with a positive predictive value of 80%. In summary, the available evidence is currently insufficient to determine the role of this variant in disease. Therefore, it has been classified as a Variant of Uncertain Significance.

GeneDx
Classification: Uncertain significance. Last evaluated: 2024-07-19. Review status: criteria provided, single submitter. Criteria: GeneDx Variant Classification Process June 2021. Collection method: clinical testing. Allele origin: germline. Affected: yes.
Comment: Not observed at significant frequency in large population cohorts (gnomAD); In silico analysis supports that this missense variant has a deleterious effect on protein structure/function; Has not been previously published as pathogenic or benign to our knowledge

NM_013444.4(UBQLN2):c.844G>A (p.Ala282Thr)

Gene: UBQLN2 (ubiquilin 2; plus strand). Cytogenetic location: Xp11.21.
Variant type: single nucleotide variant.
Coding change: c.844G>A on transcript NM_013444.4 (MANE Select); coding-DNA position 844, G replaced by A.
Protein change: p.Ala282Thr; replaces alanine 282 with threonine.
Molecular consequence: missense variant.
Genome position (GRCh38, 1-based): chrX:56,564,717, G>A. VCF-style: chrX-56564717-G-A. GRCh37 (hg19) VCF-style: chrX-56591150-G-A.
Other names: short protein forms A282T.
Identifiers: ClinVar variation 3600763 (VCV003600763.3).